The following is an entry in ClinVar:

NM_005445.4(SMC3):c.351-9T>C

Gene: SMC3 (structural maintenance of chromosomes 3; plus strand). Cytogenetic location: 10q25.2.
Variant type: single nucleotide variant.
Coding change: c.351-9T>C on transcript NM_005445.4 (MANE Select); 9 bases into the intron before coding-DNA position 351, T replaced by C.
Molecular consequence: intron variant.
Genome position (GRCh38, 1-based): chr10:110,578,619, T>C. VCF-style: chr10-110578619-T-C. GRCh37 (hg19) VCF-style: chr10-112338377-T-C.
Identifiers: ClinVar variation 159986 (VCV000159986.19), dbSNP rs78663177, ClinGen allele CA173532.

ClinVar aggregate classification (germline): Benign. Review status: criteria provided, multiple submitters, no conflicts (2 of 4 stars). 6 submissions from 6 submitters: Benign (6). Last evaluated 2026-02-03.

Conditions:
Cornelia de Lange syndrome 3 (CDLS3). Also called: SMC3-Related Cornelia de Lange Syndrome; CORNELIA DE LANGE SYNDROME 3 WITH OR WITHOUT MIDLINE BRAIN DEFECTS. Identifiers: Orphanet 199, MedGen C1853099, MONDO:0012555, OMIM 610759.

Allele frequency attached by ClinVar (database versions not stated): gnomAD exomes 0.04173 and 0.04396; 1000 Genomes Project 0.04992; 1000 Genomes Project 30x 0.05169; gnomAD 0.05937 and 0.06159; TOPMed 0.06030; ESP Exome Variant Server 0.06505; ExAC 0.07358.
gnomAD v4.1: 72,817 of 1,598,230 alleles (4.6%); highest among the groups gnomAD compares: African/African-American, 11%; 1,974 homozygotes.

Submissions (6):

Labcorp Genetics (formerly Invitae), Labcorp
Classification: Benign for Cornelia de Lange syndrome 3. Last evaluated: 2026-02-03. Review status: criteria provided, single submitter. Criteria: Invitae Variant Classification Sherloc (09022015). Collection method: clinical testing. Allele origin: germline.

Illumina Laboratory Services, Illumina
Classification: Benign for Cornelia de Lange syndrome 3. Last evaluated: 2018-01-12. Review status: criteria provided, single submitter. Criteria: ICSL Variant Classification Criteria 13 December 2019. Collection method: clinical testing. Allele origin: germline.
Comment: This variant was observed in the ICSL laboratory as part of a predisposition screen in an ostensibly healthy population. It had not been previously curated by ICSL or reported in the Human Gene Mutation Database (HGMD: prior to June 1st, 2018), and was therefore a candidate for classification through an automated scoring system. Utilizing variant allele frequency, disease prevalence and penetrance estimates, and inheritance mode, an automated score was calculated to assess if this variant is too frequent to cause the disease. Based on the score and internal cut-off values, a variant classified as benign is not then subjected to further curation. The score for this variant resulted in a classification of benign for this disease.

GeneDx
Classification: Benign. Last evaluated: 2017-04-04. Review status: criteria provided, single submitter. Criteria: GeneDx Variant Classification (06012015). Collection method: clinical testing. Allele origin: germline. Affected: yes.
Comment: This variant is considered likely benign or benign based on one or more of the following criteria: it is a conservative change, it occurs at a poorly conserved position in the protein, it is predicted to be benign by multiple in silico algorithms, and/or has population frequency not consistent with disease.

Genetic Services Laboratory, University of Chicago
Classification: Benign. Last evaluated: 2013-02-08. Review status: criteria provided, single submitter. Criteria: ACMG Guidelines, 2007. Collection method: clinical testing. Allele origin: germline. Inheritance: Autosomal dominant inheritance.

Breakthrough Genomics
Classification: Benign. Review status: criteria provided, single submitter. Criteria: ACMG Guidelines, 2015. Collection method: not provided. Allele origin: germline. Inheritance: Autosomal dominant inheritance. Affected: yes.

PreventionGenetics, part of Exact Sciences
Classification: Benign. Review status: criteria provided, single submitter. Criteria: ACMG Guidelines, 2015. Collection method: clinical testing. Allele origin: germline.